The following is an entry in ClinVar:

ClinVar aggregate classification (germline): Uncertain significance (1 of 4 stars; one submission).

Conditions:
Intellectual developmental disorder, X-linked, syndromic, Turner type. Also called: Intellectual disability, X-linked syndromic, Turner type; X-linked intellectual disability, Turner type. Identifiers: Orphanet 3056, Orphanet 85328, MedGen C2678046, MONDO:0010407, OMIM 309590.

gnomAD v4.1: 4 of 1,210,418 alleles (0.00033%); highest among the groups gnomAD compares: Non-Finnish European, 0.00045%; no homozygotes.

Submission:

Illumina Laboratory Services, Illumina
Classification: Uncertain significance for Intellectual developmental disorder, X-linked, syndromic, Turner type. Last evaluated: 2023-01-21. Review status: criteria provided, single submitter. Criteria: ICSLVariantClassificationCriteria RUGD 01 April 2020. Collection method: clinical testing. Allele origin: unknown.
Comment: The HUWE1 c.6211A>G (p.Ile2071Val) missense variant results in the substitution of isoleucine at amino acid position 2071 with valine. To our knowledge, this variant has not been reported in the peer-reviewed literature. This variant is not found in version 2.1.1 or version 3.1.2 of the Genome Aggregation Database. Based on the available evidence, the c.6211A>G (p.Ile2071Val) variant is classified as a variant of uncertain significance for X-linked syndromic intellectual disability, Turner type.

NM_031407.7(HUWE1):c.6211A>G (p.Ile2071Val)

Gene: HUWE1 (HECT, UBA and WWE domain containing E3 ubiquitin protein ligase 1; minus strand). Cytogenetic location: Xp11.22.
Variant type: single nucleotide variant.
Coding change: c.6211A>G on transcript NM_031407.7 (MANE Select); coding-DNA position 6211, A replaced by G.
Protein change: p.Ile2071Val; replaces isoleucine 2071 with valine.
Molecular consequence: missense variant.
Genome position (GRCh38, 1-based): chrX:53,573,851, T>C on the plus strand (A>G on the coding strand, the complement: HUWE1 is on the minus strand). VCF-style: chrX-53573851-T-C. GRCh37 (hg19) VCF-style: chrX-53600811-T-C.
Other names: short protein forms I2071V.
Identifiers: ClinVar variation 2580222 (VCV002580222.1), dbSNP rs782598182, ClinGen allele CA413168418.